The following is an entry in ClinVar:

NM_003982.4(SLC7A7):c.371del (p.Leu124fs)

Gene: SLC7A7 (solute carrier family 7 member 7; minus strand). Cytogenetic location: 14q11.2.
Variant type: Deletion.
Coding change: c.371del on transcript NM_003982.4 (MANE Select); coding-DNA position 371, one base deleted (T; older notation c.371delT).
Protein change: p.Leu124fs; shifts the reading frame from leucine 124.
Molecular consequence: frameshift variant.
Genome position (GRCh38, 1-based): chr14:22,813,028, A deleted on the plus strand (T on the coding strand, the reverse complement: SLC7A7 is on the minus strand). VCF-style (leftmost placement, unchanged base first): chr14-22813027-CA-C. GRCh37 (hg19) VCF-style: chr14-23282236-CA-C.
Other names: c.371del, p.Leu124fs (NM_001126105.3, NM_001126106.4); short protein forms L124fs.
Identifiers: ClinVar variation 1452476 (VCV001452476.6), dbSNP rs2138662323, ClinGen allele CA2573149741.

ClinVar aggregate classification (germline): Pathogenic (1 of 4 stars; one submission).

Conditions:
Lysinuric protein intolerance (LPI). Identifiers: Orphanet 470, MedGen C0268647, MONDO:0009109, OMIM 222700.

Allele frequency attached by ClinVar (database versions not stated): gnomAD exomes below 0.00001.

Submission:

Labcorp Genetics (formerly Invitae), Labcorp
Classification: Pathogenic for Lysinuric protein intolerance. Last evaluated: 2021-07-17. Review status: criteria provided, single submitter. Criteria: Invitae Variant Classification Sherloc (09022015). Collection method: clinical testing. Allele origin: germline.
Comment: This sequence change creates a premature translational stop signal (p.Leu124Argfs*46) in the SLC7A7 gene. It is expected to result in an absent or disrupted protein product. Loss-of-function variants in SLC7A7 are known to be pathogenic (PMID: 10631139, 17764084). This variant is not present in population databases (ExAC no frequency). This variant has not been reported in the literature in individuals affected with SLC7A7-related conditions. For these reasons, this variant has been classified as Pathogenic.

Literature cited by the submitters: PubMed 10631139; PubMed 17764084.